The following is an entry in ClinVar:

ClinVar aggregate classification (germline): Likely benign (0 of 4 stars; one submission).

Conditions:
SETD1B-related disorder. Also called: SETD1B-related condition.

Allele frequency attached by ClinVar (database versions not stated): gnomAD exomes 0.00001; gnomAD 0.00007; TOPMed 0.00013; 1000 Genomes Project 30x 0.00016.
gnomAD v4.1: 31 of 1,547,550 alleles (0.002%); highest among the groups gnomAD compares: Admixed American, 0.051%; no homozygotes.

Submission:

PreventionGenetics, part of Exact Sciences
Classification: Likely benign for SETD1B-related condition. Last evaluated: 2019-09-26. Review status: no assertion criteria provided. Collection method: clinical testing. Allele origin: germline.
Comment: This variant is classified as likely benign based on ACMG/AMP sequence variant interpretation guidelines (Richards et al. 2015 PMID: 25741868, with internal and published modifications).

NM_001353345.2(SETD1B):c.1824C>T (p.Ser608=)

Gene: SETD1B (SET domain containing 1B, histone lysine methyltransferase; plus strand). Cytogenetic location: 12q24.31.
Variant type: single nucleotide variant.
Coding change: c.1824C>T on transcript NM_001353345.2 (MANE Select); coding-DNA position 1824, C replaced by T.
Protein change: p.Ser608=; no amino-acid change (serine 608 retained).
Molecular consequence: synonymous variant.
Genome position (GRCh38, 1-based): chr12:121,810,769, C>T. VCF-style: chr12-121810769-C-T. GRCh37 (hg19) VCF-style: chr12-122248675-C-T.
Other names: NM_015048.1:c.1824C>T.
Identifiers: ClinVar variation 3040799 (VCV003040799.2), dbSNP rs1002640449, ClinGen allele CA244637483.